The following is an entry in ClinVar:

NM_000238.4(KCNH2):c.664G>A (p.Val222Met)

Gene: KCNH2 (potassium voltage-gated channel subfamily H member 2; minus strand). Cytogenetic location: 7q36.1.
Variant type: single nucleotide variant.
Coding change: c.664G>A on transcript NM_000238.4 (MANE Select); coding-DNA position 664, G replaced by A.
Protein change: p.Val222Met; replaces valine 222 with methionine.
Molecular consequence: missense variant.
Genome position (GRCh38, 1-based): chr7:150,958,311, C>T on the plus strand (G>A on the coding strand, the complement: KCNH2 is on the minus strand). VCF-style: chr7-150958311-C-T. GRCh37 (hg19) VCF-style: chr7-150655399-C-T.
Other names: c.376G>A, p.Val126Met (NM_001406753.1, NM_001406756.1); c.487G>A, p.Val163Met (NM_001406755.1); c.364G>A, p.Val122Met (NM_001406757.1); c.664G>A, p.Val222Met (NM_172056.3); short protein forms V222M, V163M, V126M, V122M.
Identifiers: ClinVar variation 835460 (VCV000835460.10), dbSNP rs1263535997, ClinGen allele CA369862912.
Genomic context (GRCh38, chr7:150,958,311, plus strand): 5'-GGGGCGGAGAGCCGGGACCCACCAGCGCACGCCGCTCCTCCGCGGGCCCGAGCCCTGCCA[C>T]GTGGTTGTCCATGGCTGTCACTTCGTCCAGGGCCAGCGACTCGCTGCTGGGTGCCGCGGG-3'
Protein context (NP_000229.1, residues 212-232): LDEVTAMDNH[Val222Met]AGLGPAEERR

ClinVar aggregate classification (germline): Uncertain significance (1 of 4 stars; one submission).

Conditions:
Long QT syndrome (LQTS). Identifiers: MedGen C0023976, MeSH D008133, MONDO:0002442. Disease mechanism: loss of function. Inheritance: Various modes of inheritance.

gnomAD v4.1: 2 of 1,482,332 alleles (0.00013%); highest among the groups gnomAD compares: Non-Finnish European, 0.00018%; no homozygotes.

Submission:

Labcorp Genetics (formerly Invitae), Labcorp
Classification: Uncertain significance for Long QT syndrome. Last evaluated: 2025-11-25. Review status: criteria provided, single submitter. Criteria: Invitae Variant Classification Sherloc (09022015). Collection method: clinical testing. Allele origin: germline.
Comment: This sequence change replaces valine, which is neutral and non-polar, with methionine, which is neutral and non-polar, at codon 222 of the KCNH2 protein (p.Val222Met). This variant is not present in population databases (gnomAD no frequency). This variant has not been reported in the literature in individuals affected with KCNH2-related conditions. ClinVar contains an entry for this variant (Variation ID: 835460). An algorithm developed to predict the effect of missense changes on protein structure and function (PolyPhen-2) suggests that this variant is likely to be tolerated. In summary, the available evidence is currently insufficient to determine the role of this variant in disease. Therefore, it has been classified as a Variant of Uncertain Significance.